The following is an entry in ClinVar:

ClinVar aggregate classification (germline): Uncertain significance (1 of 4 stars; one submission).

Conditions:
Hereditary cancer-predisposing syndrome. Also called: Neoplastic Syndromes, Hereditary; Tumor predisposition; Hereditary Cancer Syndrome; Hereditary neoplastic syndrome. Identifiers: Orphanet 140162, MedGen C0027672, MeSH D009386, MONDO:0015356.

Allele frequency attached by ClinVar (database versions not stated): TOPMed below 0.00001.

Submission:

Ambry Genetics
Classification: Uncertain significance for Hereditary cancer-predisposing syndrome. Last evaluated: 2022-10-27. Review status: criteria provided, single submitter. Criteria: Ambry Variant Classification Scheme 2023. Collection method: clinical testing. Allele origin: germline.
Comment: The p.A1167E variant (also known as c.3500C>A), located in coding exon 17 of the BLM gene, results from a C to A substitution at nucleotide position 3500. The alanine at codon 1167 is replaced by glutamic acid, an amino acid with dissimilar properties. This amino acid position is conserved. In addition, the in silico prediction for this alteration is inconclusive. Since supporting evidence is limited at this time, the clinical significance of this alteration remains unclear.

NM_000057.4(BLM):c.3500C>A (p.Ala1167Glu)

Gene: BLM (BLM RecQ like helicase; plus strand). Cytogenetic location: 15q26.1.
Variant type: single nucleotide variant.
Coding change: c.3500C>A on transcript NM_000057.4 (MANE Select); coding-DNA position 3500, C replaced by A.
Protein change: p.Ala1167Glu; replaces alanine 1167 with glutamic acid.
Molecular consequence: missense variant. On other transcripts: intron variant (1).
Genome position (GRCh38, 1-based): chr15:90,803,662, C>A. VCF-style: chr15-90803662-C-A. GRCh37 (hg19) VCF-style: chr15-91346892-C-A.
Other names: c.3500C>A, p.Ala1167Glu (NM_001287246.2); c.2375C>A, p.Ala792Glu (NM_001287248.2); c.3358+5325C>A (NM_001287247.2); short protein forms A792E, A1167E.
Identifiers: ClinVar variation 1732067 (VCV001732067.2), dbSNP rs987150263, ClinGen allele CA274774674.